The following is an entry in ClinVar:

NM_001005273.3(CHD3):c.3478C>A (p.Pro1160Thr)

Gene: CHD3 (chromodomain helicase DNA binding protein 3; plus strand). Cytogenetic location: 17p13.1.
Variant type: single nucleotide variant.
Coding change: c.3478C>A on transcript NM_001005273.3 (MANE Select); coding-DNA position 3478, C replaced by A.
Protein change: p.Pro1160Thr; replaces proline 1160 with threonine.
Molecular consequence: missense variant.
Genome position (GRCh38, 1-based): chr17:7,903,044, C>A. VCF-style: chr17-7903044-C-A. GRCh37 (hg19) VCF-style: chr17-7806362-C-A.
Other names: c.3655C>A, p.Pro1219Thr (NM_001005271.3); c.3478C>A, p.Pro1160Thr (NM_005852.4); short protein forms P1160T, P1219T.
Identifiers: ClinVar variation 3235799 (VCV003235799.1), dbSNP rs2544999933, ClinGen allele CA397941970.

ClinVar aggregate classification (germline): Likely pathogenic (1 of 4 stars; one submission).

Conditions:
Snijders Blok-Campeau syndrome. Also called: INTELLECTUAL DEVELOPMENTAL DISORDER WITH MACROCEPHALY, SPEECH DELAY, AND DYSMORPHIC FACIES. Identifiers: Orphanet 599082, MedGen C4748701, MONDO:0032600, OMIM 618205.

Submission:

Greenwood Genetic Center Diagnostic Laboratories, Greenwood Genetic Center
Classification: Likely pathogenic for Snijders Blok-Campeau syndrome. Last evaluated: 2024-01-09. Review status: criteria provided, single submitter. Criteria: ACMG Guidelines, 2015. Collection method: clinical testing. Allele origin: germline. Affected: yes.
Comment: PS2, PM2